The following is an entry in ClinVar:

ClinVar aggregate classification (germline): Uncertain significance (1 of 4 stars; one submission).

Conditions:
Cardiovascular phenotype. Identifiers: MedGen CN230736.

Allele frequency attached by ClinVar (database versions not stated): TOPMed below 0.00001.

Submission:

Ambry Genetics
Classification: Uncertain significance for Cardiovascular phenotype. Last evaluated: 2022-10-14. Review status: criteria provided, single submitter. Criteria: Ambry Variant Classification Scheme 2023. Collection method: clinical testing. Allele origin: germline.
Comment: The p.Q553K variant (also known as c.1657C>A), located in coding exon 11 of the GAA gene, results from a C to A substitution at nucleotide position 1657. The glutamine at codon 553 is replaced by lysine, an amino acid with similar properties. This amino acid position is conserved. In addition, this alteration is predicted to be tolerated by in silico analysis. Since supporting evidence is limited at this time, the clinical significance of this alteration remains unclear.

NM_000152.5(GAA):c.1657C>A (p.Gln553Lys)

Gene: GAA (alpha glucosidase; plus strand). Cytogenetic location: 17q25.3.
Variant type: single nucleotide variant.
Coding change: c.1657C>A on transcript NM_000152.5 (MANE Select); coding-DNA position 1657, C replaced by A.
Protein change: p.Gln553Lys; replaces glutamine 553 with lysine.
Molecular consequence: missense variant.
Genome position (GRCh38, 1-based): chr17:80,112,003, C>A. VCF-style: chr17-80112003-C-A. GRCh37 (hg19) VCF-style: chr17-78085802-C-A.
Other names: c.1657C>A, p.Gln553Lys (NM_001079803.3, NM_001079804.3, NM_001406741.1 and 1 more transcripts); short protein forms Q553K.
Identifiers: ClinVar variation 1777375 (VCV001777375.2), dbSNP rs1221156663, ClinGen allele CA401368824.